The following is an entry in ClinVar:

NM_000059.4(BRCA2):c.2672T>A (p.Val891Asp)

Gene: BRCA2 (BRCA2 DNA repair associated; plus strand). Cytogenetic location: 13q13.1.
Variant type: single nucleotide variant.
Coding change: c.2672T>A on transcript NM_000059.4 (MANE Select); coding-DNA position 2672, T replaced by A.
Protein change: p.Val891Asp; replaces valine 891 with aspartic acid.
Molecular consequence: missense variant.
Genome position (GRCh38, 1-based): chr13:32,337,027, T>A. VCF-style: chr13-32337027-T-A. GRCh37 (hg19) VCF-style: chr13-32911164-T-A.
Other names: short protein forms V891D.
Identifiers: ClinVar variation 648850 (VCV000648850.19), dbSNP rs1593897497, ClinGen allele CA387773391.

ClinVar aggregate classification (germline): Conflicting classifications of pathogenicity. Review status: criteria provided, conflicting classifications (1 of 4 stars). 6 submissions from 6 submitters: Uncertain significance (5); Likely benign (1). Last evaluated 2025-11-02.

Conditions:
Hereditary cancer-predisposing syndrome. Also called: Hereditary Cancer Syndrome; Hereditary neoplastic syndrome; Tumor predisposition; Neoplastic Syndromes, Hereditary. Identifiers: Orphanet 140162, MedGen C0027672, MeSH D009386, MONDO:0015356.
Hereditary breast ovarian cancer syndrome. Also called: Breast and ovarian cancer; BRCA1- and BRCA2-Associated Hereditary Breast and Ovarian Cancer; Hereditary breast and/or ovarian cancer syndrome; Hereditary breast and ovarian cancer syndrome; Hereditary breast and ovarian cancer; Hereditary breast and ovarian cancer syndrome (HBOC). Identifiers: Orphanet 145, MedGen C0677776, MeSH D061325, MONDO:0003582. Disease mechanism: loss of function.
Breast-ovarian cancer, familial, susceptibility to, 2 (BROVCA2). Also called: BRCA2 Hereditary Breast and Ovarian Cancer. Identifiers: Orphanet 145, MedGen C2675520, MONDO:0012933, OMIM 612555. Disease mechanism: loss of function.

Allele frequency attached by ClinVar (database versions not stated): gnomAD exomes below 0.00001.
gnomAD v4.1: 2 of 1,592,918 alleles (0.00013%); highest among the groups gnomAD compares: East Asian, 0.0045%; no homozygotes.

Submissions (6):

Ambry Genetics
Classification: Uncertain significance for Hereditary cancer-predisposing syndrome. Last evaluated: 2025-11-02. Review status: criteria provided, single submitter. Criteria: Ambry Variant Classification Scheme 2023. Collection method: clinical testing. Allele origin: germline.
Comment: The p.V891D variant (also known as c.2672T>A), located in coding exon 10 of the BRCA2 gene, results from a T to A substitution at nucleotide position 2672. The valine at codon 891 is replaced by aspartic acid, an amino acid with highly dissimilar properties. This amino acid position is not well conserved in available vertebrate species. In addition, the in silico prediction for this alteration is inconclusive. Since supporting evidence is limited at this time, the clinical significance of this alteration remains unclear.

Dasa
Classification: Uncertain significance for Breast-ovarian cancer, familial, susceptibility to, 2. Last evaluated: 2025-06-13. Review status: criteria provided, single submitter. Criteria: DASA Assertion Criteria. Collection method: clinical testing. Allele origin: germline.
Comment: NM_000059.4(BRCA2):c.2672T>A (p.Val891Asp) is a missense variant that results in the substitution of valine with aspartic acid. This variant is rare in population databases. The currently available literature and clinical evidence are not sufficient to establish a definitive association between this variant and the reported condition. Therefore, this variant is classified as a variant of uncertain significance.

Labcorp Genetics (formerly Invitae), Labcorp
Classification: Uncertain significance for Hereditary breast ovarian cancer syndrome. Last evaluated: 2025-05-12. Review status: criteria provided, single submitter. Criteria: Invitae Variant Classification Sherloc (09022015). Collection method: clinical testing. Allele origin: germline.
Comment: This sequence change replaces valine, which is neutral and non-polar, with aspartic acid, which is acidic and polar, at codon 891 of the BRCA2 protein (p.Val891Asp). This variant is not present in population databases (gnomAD no frequency). This missense change has been observed in individual(s) with breast cancer (PMID: 30287823). ClinVar contains an entry for this variant (Variation ID: 648850). Invitae Evidence Modeling of protein sequence and biophysical properties (such as structural, functional, and spatial information, amino acid conservation, physicochemical variation, residue mobility, and thermodynamic stability) indicates that this missense variant is not expected to disrupt BRCA2 protein function with a negative predictive value of 95%. In summary, the available evidence is currently insufficient to determine the role of this variant in disease. Therefore, it has been classified as a Variant of Uncertain Significance.

Women's Health and Genetics/Laboratory Corporation of America, LabCorp
Classification: Uncertain significance. Last evaluated: 2024-06-24. Review status: criteria provided, single submitter. Criteria: LabCorp Variant Classification Summary - May 2015. Collection method: clinical testing. Allele origin: germline.
Comment: Variant summary: BRCA2 c.2672T>A (p.Val891Asp) results in a non-conservative amino acid change in the encoded protein sequence. Three of five in-silico tools predict a damaging effect of the variant on protein function. The variant was absent in 232918 control chromosomes. The available data on variant occurrences in the general population are insufficient to allow any conclusion about variant significance. c.2672T>A has been reported in the literature in individuals affected with breast cancer and in controls in a Japanese population (Momozawa_2018). This report does not provide unequivocal conclusions about association of the variant with Hereditary Breast And Ovarian Cancer Syndrome. At least one publication reports experimental evidence evaluating an impact on protein function. HR activity was evaluated using a direct repeat-green fluorescent protein (DR-GFP) reporter; HR assays showed no damaging effect of this variant. The following publications have been ascertained in the context of this evaluation (PMID: 37731132, 30287823). ClinVar contains an entry for this variant (Variation ID: 648850). Based on the evidence outlined above, the variant was classified as uncertain significance.

University of Washington Department of Laboratory Medicine, University of Washington
Classification: Likely benign for Hereditary cancer-predisposing syndrome. Last evaluated: 2023-03-23. Review status: criteria provided, single submitter. Criteria: Dines et al. (Genet Med. 2020). Collection method: curation. Allele origin: germline.
Comment: Missense variant in a coldspot region where missense variants are very unlikely to be pathogenic (PMID:31911673).

BRCA2 exon 11 coldspot. Reclassification based on statistical prior probability.

Color Diagnostics, LLC DBA Color Health
Classification: Uncertain significance for Hereditary cancer-predisposing syndrome. Last evaluated: 2020-01-08. Review status: criteria provided, single submitter. Criteria: ACMG Guidelines, 2015. Collection method: clinical testing. Allele origin: germline.
Comment: This missense variant replaces valine with aspartic acid at codon 891 of the BRCA2 protein. Computational prediction suggests that this variant may not impact protein structure and function (internally defined REVEL score threshold <= 0.5, PMID: 27666373). Splice site prediction tools suggest that this variant may not impact RNA splicing. To our knowledge, functional studies have not been performed for this variant. This variant has been reported in individuals affected with breast cancer in the literature (PMID: 30287823). This variant has not been identified in the general population by the Genome Aggregation Database (gnomAD). The available evidence is insufficient to determine the role of this variant in disease conclusively. Therefore, this variant is classified as a Variant of Uncertain Significance.

Literature cited by the submitters: PubMed 30287823 (cited by Labcorp Genetics (formerly Invitae), Labcorp and Women's Health and Genetics/Laboratory Corporation of America, LabCorp); PubMed 37731132 (cited by Women's Health and Genetics/Laboratory Corporation of America, LabCorp).